The following is an entry in ClinVar:

ClinVar aggregate classification (germline): Uncertain significance. Review status: criteria provided, multiple submitters, no conflicts (2 of 4 stars). 3 submissions from 3 submitters: Uncertain significance (3). Last evaluated 2025-02-06.

Conditions:
Fish-eye disease (FED). Also called: ALPHA-LCAT DEFICIENCY; DYSLIPOPROTEINEMIC CORNEAL DYSTROPHY; LCATA DEFICIENCY. Identifiers: Orphanet 650, Orphanet 79292, MedGen C0342895, MONDO:0007620, OMIM 136120.
Norum disease. Also called: Familial lecithin cholesterol acyltransferase deficiency. Identifiers: Orphanet 79293, MedGen C0023195, MONDO:0009515, OMIM 245900.
Cardiovascular phenotype. Identifiers: MedGen CN230736.

Allele frequency attached by ClinVar (database versions not stated): TOPMed 0.00002; gnomAD exomes 0.00005 and 0.00007; gnomAD 0.00006; ExAC 0.00014; 1000 Genomes Project 30x 0.00016; 1000 Genomes Project 0.00020.
gnomAD v4.1: 83 of 1,613,636 alleles (0.0051%); highest among the groups gnomAD compares: Non-Finnish European, 0.0053%; no homozygotes.

Submissions (3):

Ambry Genetics
Classification: Uncertain significance for Cardiovascular phenotype. Last evaluated: 2025-02-06. Review status: criteria provided, single submitter. Criteria: Ambry Variant Classification Scheme 2023. Collection method: clinical testing. Allele origin: germline.
Comment: The p.P360T variant (also known as c.1078C>A), located in coding exon 6 of the LCAT gene, results from a C to A substitution at nucleotide position 1078. The proline at codon 360 is replaced by threonine, an amino acid with highly similar properties. This amino acid position is conserved. In addition, this alteration is predicted to be deleterious by in silico analysis. Since supporting evidence is limited at this time, the clinical significance of this alteration remains unclear.

Labcorp Genetics (formerly Invitae), Labcorp
Classification: Uncertain significance. Last evaluated: 2024-10-18. Review status: criteria provided, single submitter. Criteria: Invitae Variant Classification Sherloc (09022015). Collection method: clinical testing. Allele origin: germline.
Comment: This sequence change replaces proline, which is neutral and non-polar, with threonine, which is neutral and polar, at codon 360 of the LCAT protein (p.Pro360Thr). This variant is present in population databases (rs199711526, gnomAD 0.01%). This variant has not been reported in the literature in individuals affected with LCAT-related conditions. ClinVar contains an entry for this variant (Variation ID: 1426099). Invitae Evidence Modeling of protein sequence and biophysical properties (such as structural, functional, and spatial information, amino acid conservation, physicochemical variation, residue mobility, and thermodynamic stability) indicates that this missense variant is expected to disrupt LCAT protein function with a positive predictive value of 95%. In summary, the available evidence is currently insufficient to determine the role of this variant in disease. Therefore, it has been classified as a Variant of Uncertain Significance.

Fulgent Genetics
Classification: Uncertain significance for Fish-eye disease; Norum disease. Last evaluated: 2024-04-09. Review status: criteria provided, single submitter. Criteria: ACMG Guidelines, 2015. Collection method: clinical testing. Allele origin: germline.

NM_000229.2(LCAT):c.1078C>A (p.Pro360Thr)

Gene: LCAT (lecithin-cholesterol acyltransferase; minus strand). Cytogenetic location: 16q22.1.
Variant type: single nucleotide variant.
Coding change: c.1078C>A on transcript NM_000229.2 (MANE Select); coding-DNA position 1078, C replaced by A.
Protein change: p.Pro360Thr; replaces proline 360 with threonine.
Molecular consequence: missense variant.
Genome position (GRCh38, 1-based): chr16:67,940,149, G>T on the plus strand (C>A on the coding strand, the complement: LCAT is on the minus strand). VCF-style: chr16-67940149-G-T. GRCh37 (hg19) VCF-style: chr16-67974052-G-T.
Other names: c.1078C>A (NM_000229.1); short protein forms P360T.
Identifiers: ClinVar variation 1426099 (VCV001426099.10), dbSNP rs199711526, ClinGen allele CA8120898.